The following is an entry in ClinVar:

NM_001367823.1(ARHGEF18):c.968-99C>T

Gene: ARHGEF18 (Rho/Rac guanine nucleotide exchange factor 18; plus strand). Cytogenetic location: 19p13.2.
Variant type: single nucleotide variant.
Coding change: c.968-99C>T on transcript NM_001367823.1 (MANE Select); 99 bases into the intron before coding-DNA position 968, C replaced by T.
Molecular consequence: intron variant. On other transcripts: missense variant (1), 5 prime UTR variant (1).
Genome position (GRCh38, 1-based): chr19:7,440,245, C>T. VCF-style: chr19-7440245-C-T. GRCh37 (hg19) VCF-style: chr19-7505131-C-T.
Other names: c.143C>T, p.Ser48Phe (NM_001130955.2); c.-170C>T (NM_001367824.1); c.-71-99C>T (NM_015318.4); short protein forms S48F.
Identifiers: ClinVar variation 1714652 (VCV001714652.5), dbSNP rs2512438200, ClinGen allele CA403094776.

ClinVar aggregate classification (germline): Uncertain significance (1 of 4 stars; one submission).

Submission:

Labcorp Genetics (formerly Invitae), Labcorp
Classification: Uncertain significance. Last evaluated: 2022-07-31. Review status: criteria provided, single submitter. Criteria: Invitae Variant Classification Sherloc (09022015). Collection method: clinical testing. Allele origin: germline.
Comment: In summary, the available evidence is currently insufficient to determine the role of this variant in disease. Therefore, it has been classified as a Variant of Uncertain Significance. This variant has not been reported in the literature in individuals affected with ARHGEF18-related conditions. Algorithms developed to predict the effect of missense changes on protein structure and function are either unavailable or do not agree on the potential impact of this missense change (SIFT: "Deleterious"; PolyPhen-2: "Probably Damaging"; Align-GVGD: "Class C0"). This variant is not present in population databases (gnomAD no frequency). This sequence change replaces serine, which is neutral and polar, with phenylalanine, which is neutral and non-polar, at codon 102 of the ARHGEF18 protein (p.Ser102Phe).